The following is an entry in ClinVar:

NM_005883.3(APC2):c.3772G>A (p.Ala1258Thr)

Gene: APC2 (APC regulator of WNT signaling pathway 2; plus strand). Cytogenetic location: 19p13.3.
Variant type: single nucleotide variant.
Coding change: c.3772G>A on transcript NM_005883.3 (MANE Select); coding-DNA position 3772, G replaced by A.
Protein change: p.Ala1258Thr; replaces alanine 1258 with threonine.
Molecular consequence: missense variant.
Genome position (GRCh38, 1-based): chr19:1,467,073, G>A. VCF-style: chr19-1467073-G-A. GRCh37 (hg19) VCF-style: chr19-1467072-G-A.
Other names: c.3769G>A, p.Ala1257Thr (NM_001351273.1); short protein forms A1258T, A1257T.
Identifiers: ClinVar variation 2095993 (VCV002095993.1), dbSNP rs1294256267, ClinGen allele CA403032453.
Genomic context (GRCh38, chr19:1,467,073, plus strand): 5'-AAGCGCTTCCTGGACATCGCCGACTGCCGGGAGCGCTGCCGGCTGCCATCTGAGCTGGAC[G>A]CAGGCAGCGTGCGCTTTACCGTGGAGAAGCCAGACGAGAACTTCTCGTGCGCCTCCAGCC-3'
Protein context (NP_005874.1, residues 1248-1268): ERCRLPSELD[Ala1258Thr]GSVRFTVEKP

ClinVar aggregate classification (germline): Uncertain significance (1 of 4 stars; one submission).

Submission:

Labcorp Genetics (formerly Invitae), Labcorp
Classification: Uncertain significance. Last evaluated: 2022-02-10. Review status: criteria provided, single submitter. Criteria: Invitae Variant Classification Sherloc (09022015). Collection method: clinical testing. Allele origin: germline.
Comment: This sequence change replaces alanine, which is neutral and non-polar, with threonine, which is neutral and polar, at codon 1258 of the APC2 protein (p.Ala1258Thr). This variant is present in population databases (no rsID available, gnomAD 0.006%). This variant has not been reported in the literature in individuals affected with APC2-related conditions. Algorithms developed to predict the effect of missense changes on protein structure and function are either unavailable or do not agree on the potential impact of this missense change (SIFT: "Deleterious"; PolyPhen-2: "Possibly Damaging"; Align-GVGD: "Class C0"). In summary, the available evidence is currently insufficient to determine the role of this variant in disease. Therefore, it has been classified as a Variant of Uncertain Significance.